The following is an entry in ClinVar:

ClinVar aggregate classification (germline): Uncertain significance (1 of 4 stars; one submission).

Submission:

Greenwood Genetic Center Diagnostic Laboratories, Greenwood Genetic Center
Classification: Uncertain significance. Last evaluated: 2022-11-15. Review status: criteria provided, single submitter. Criteria: ACMG Guidelines, 2015. Collection method: clinical testing. Allele origin: germline. Affected: yes.
Comment: PM2, PP2, PP3

NM_001375524.1(TRRAP):c.1004C>A (p.Ala335Asp)

Gene: TRRAP (transformation/transcription domain associated protein; plus strand). Cytogenetic location: 7q22.1.
Variant type: single nucleotide variant.
Coding change: c.1004C>A on transcript NM_001375524.1 (MANE Select); coding-DNA position 1004, C replaced by A.
Protein change: p.Ala335Asp; replaces alanine 335 with aspartic acid.
Molecular consequence: missense variant.
Genome position (GRCh38, 1-based): chr7:98,903,485, C>A. VCF-style: chr7-98903485-C-A. GRCh37 (hg19) VCF-style: chr7-98501108-C-A.
Other names: c.1004C>A, p.Ala335Asp (NM_001244580.2, NM_003496.4); short protein forms A335D.
Identifiers: ClinVar variation 2429104 (VCV002429104.4), dbSNP rs1796565560, ClinGen allele CA368282138.
Genomic context (GRCh38, chr7:98,903,485, plus strand): 5'-AGTTACTTTCAAATTGTCCAGCAGAGACTGCACACCTCAGAAAGGAGCTTCTGATTGCTG[C>A]CAAACACATCCTCACCACAGAGCTGAGAAACCGTACGTCCAGCCTGTCTTGTCTTGAATG-3'
Protein context (NP_001362453.1, residues 325-345): AHLRKELLIA[Ala335Asp]KHILTTELRN